The following is an entry in ClinVar:

NM_025081.3(NYNRIN):c.543G>T (p.Leu181=)

Gene: NYNRIN (NYN domain and retroviral integrase containing; plus strand). Cytogenetic location: 14q12.
Variant type: single nucleotide variant.
Coding change: c.543G>T on transcript NM_025081.3 (MANE Select); coding-DNA position 543, G replaced by T.
Protein change: p.Leu181=; no amino-acid change (leucine 181 retained).
Molecular consequence: synonymous variant.
Genome position (GRCh38, 1-based): chr14:24,408,213, G>T. VCF-style: chr14-24408213-G-T. GRCh37 (hg19) VCF-style: chr14-24877419-G-T.
Identifiers: ClinVar variation 3665939 (VCV003665939.2).
Genomic context (GRCh38, chr14:24,408,213, plus strand): 5'-GGCCTTTGGGGCCCTGGTCTGGATCCGTGGTGACCAGCATGCAGGGGACCTACTGCAGCT[G>T]CCCCCAGCGGTCCAGGAGCTGCTGCTGAGCCTGGTGCGGGATGCTGCGGGCAAGGAAGAC-3'
Protein context (NP_079357.2, residues 171-191): GDQHAGDLLQ[Leu181=]PPAVQELLLS

ClinVar aggregate classification (germline): Uncertain significance (1 of 4 stars; one submission).

gnomAD v4.1: 3 of 1,603,208 alleles (0.00019%); highest among the groups gnomAD compares: East Asian, 0.0045%; no homozygotes.

Submission:

Labcorp Genetics (formerly Invitae), Labcorp
Classification: Uncertain significance. Last evaluated: 2024-08-30. Review status: criteria provided, single submitter. Criteria: Invitae Variant Classification Sherloc (09022015). Collection method: clinical testing. Allele origin: germline.
Comment: This sequence change affects codon 181 of the NYNRIN mRNA. It is a 'silent' change, meaning that it does not change the encoded amino acid sequence of the NYNRIN protein. The frequency data for this variant in the population databases is considered unreliable, as metrics indicate poor data quality at this position in the gnomAD database. This variant has not been reported in the literature in individuals affected with NYNRIN-related conditions. Experimental studies and prediction algorithms are not available or were not evaluated, and the effect of this variant on mRNA splicing is currently unknown. In summary, the available evidence is currently insufficient to determine the role of this variant in disease. Therefore, it has been classified as a Variant of Uncertain Significance.